The following continues an entry in ClinVar:

NM_000350.3(ABCA4):c.3386G>T (p.Arg1129Leu)

Gene: ABCA4. ClinVar aggregate classification (germline): Pathogenic. Pathogenic (1).

Submissions 11 to 16 of 16:

Centre for Mendelian Genomics, University Medical Centre Ljubljana
Classification: Pathogenic for Age related macular degeneration 2. Last evaluated: 2019-02-27. Review status: criteria provided, single submitter. Criteria: ACMG Guidelines, 2015. Collection method: clinical testing. Allele origin: unknown. Affected: yes. Not counted in ClinVar's aggregate classification.
Comment: This variant was classified as: Pathogenic. The following ACMG criteria were applied in classifying this variant: PM1,PM5,PP2,PP3,PP5.

Institute of Human Genetics, Univ. Regensburg, Univ. Regensburg
Classification: Likely pathogenic for Severe early-childhood-onset retinal dystrophy. Last evaluated: 2016-01-01. Review status: criteria provided, single submitter. Criteria: Schulz et al. (Invest Ophthalmol Vis Sci. 2017). Collection method: clinical testing. Allele origin: germline. Affected: yes. Observed: 1 heterozygote. Not counted in ClinVar's aggregate classification.

Institute of Human Genetics, Univ. Regensburg, Univ. Regensburg
Classification: Likely pathogenic for Retinal dystrophy. Last evaluated: 2016-01-01. Review status: criteria provided, single submitter. Criteria: ACMG Guidelines, 2015. Collection method: clinical testing. Allele origin: germline. Affected: yes. Not counted in ClinVar's aggregate classification.

Clinical Genetics Service, Universitary Hospital 12 de Octubre
Classification: Pathogenic for Severe early-childhood-onset retinal dystrophy. Review status: criteria provided, single submitter. Criteria: ACMG Guidelines, 2015. Collection method: clinical testing. Allele origin: germline. Affected: yes. Not counted in ClinVar's aggregate classification.

Ophthalmo-Genetics Lab, Instituto de Oftalmologia Conde de Valenciana
Classification: Pathogenic for Severe early-childhood-onset retinal dystrophy. Review status: no assertion criteria provided. Collection method: research. Allele origin: germline. Inheritance: Autosomal recessive inheritance. Affected: yes. Not counted in ClinVar's aggregate classification.

Retina International
No classification provided. Review status: no classification provided. Collection method: not provided. Allele origin: unknown. Not counted in ClinVar's aggregate classification.

Literature cited by the submitters: PubMed 19074458 (cited by Labcorp Genetics (formerly Invitae), Labcorp and Institute of Human Genetics, Univ. Regensburg, Univ. Regensburg); PubMed 23755871 (cited by 4 submitters); PubMed 27032803 (cited by 3 submitters); PubMed 29114839 (cited by 3 submitters); PubMed 11017087 (cited by Labcorp Genetics (formerly Invitae), Labcorp and Variantyx, Inc.); PubMed 9295268 (cited by 3billion and Institute of Human Genetics, Univ. Regensburg, Univ. Regensburg); PubMed 23953153 (cited by 3billion); PubMed 37217489 (cited by Variantyx, Inc.); PubMed 25698705 (cited by Institute of Human Genetics, Univ. Regensburg, Univ. Regensburg); PubMed 17277736 (cited by Institute of Human Genetics, Univ. Regensburg, Univ. Regensburg); PubMed 28118664 (cited by Institute of Human Genetics, Univ. Regensburg, Univ. Regensburg); PubMed 29555955 (cited by Institute of Human Genetics, Univ. Regensburg, Univ. Regensburg); PubMed 30337596 (cited by Institute of Human Genetics, Univ. Regensburg, Univ. Regensburg); PubMed 28771251 (cited by Institute of Human Genetics, Univ. Regensburg, Univ. Regensburg); PubMed 30093795 (cited by Institute of Human Genetics, Univ. Regensburg, Univ. Regensburg); PubMed 30156925 (cited by Institute of Human Genetics, Univ. Regensburg, Univ. Regensburg); PubMed 31589614 (cited by Institute of Human Genetics, Univ. Regensburg, Univ. Regensburg); PubMed 29925512 (cited by Institute of Human Genetics, Univ. Regensburg, Univ. Regensburg); PubMed 32845050 (cited by Institute of Human Genetics, Univ. Regensburg, Univ. Regensburg); PubMed 32619608 (cited by Institute of Human Genetics, Univ. Regensburg, Univ. Regensburg and Ophthalmo-Genetics Lab, Instituto de Oftalmologia Conde de Valenciana); PubMed 32483926 (cited by Institute of Human Genetics, Univ. Regensburg, Univ. Regensburg); PubMed 31964843 (cited by Institute of Human Genetics, Univ. Regensburg, Univ. Regensburg); PubMed 32307445 (cited by Institute of Human Genetics, Univ. Regensburg, Univ. Regensburg); PubMed 33090715 (cited by Institute of Human Genetics, Univ. Regensburg, Univ. Regensburg); PubMed 33302505 (cited by Institute of Human Genetics, Univ. Regensburg, Univ. Regensburg); PubMed 32036094 (cited by Institute of Human Genetics, Univ. Regensburg, Univ. Regensburg); PubMed 32141364 (cited by Institute of Human Genetics, Univ. Regensburg, Univ. Regensburg); PubMed 34327195 (cited by Institute of Human Genetics, Univ. Regensburg, Univ. Regensburg); PubMed 34426522 (cited by Institute of Human Genetics, Univ. Regensburg, Univ. Regensburg); PubMed 35119454 (cited by Institute of Human Genetics, Univ. Regensburg, Univ. Regensburg); PubMed 36460718 (cited by Institute of Human Genetics, Univ. Regensburg, Univ. Regensburg).